The following is an entry in ClinVar:

NM_004333.6(BRAF):c.1259C>G (p.Pro420Arg)

Gene: BRAF (B-Raf proto-oncogene, serine/threonine kinase; minus strand). Cytogenetic location: 7q34.
Variant type: single nucleotide variant.
Coding change: c.1259C>G on transcript NM_004333.6 (MANE Select); coding-DNA position 1259, C replaced by G.
Protein change: p.Pro420Arg; replaces proline 420 with arginine.
Molecular consequence: missense variant.
Genome position (GRCh38, 1-based): chr7:140,783,076, G>C on the plus strand (C>G on the coding strand, the complement: BRAF is on the minus strand). VCF-style: chr7-140783076-G-C. GRCh37 (hg19) VCF-style: chr7-140482876-G-C.
Other names: c.1259C>G, p.Pro420Arg (NM_001354609.2, NM_001378468.1, NM_001378474.1); c.1379C>G, p.Pro460Arg (NM_001374244.1, NM_001374258.1); c.1268C>G, p.Pro423Arg (NM_001378467.1); c.1193C>G, p.Pro398Arg (NM_001378469.1); c.1157C>G, p.Pro386Arg (NM_001378470.1); c.1148C>G, p.Pro383Arg (NM_001378471.1); c.1103C>G, p.Pro368Arg (NM_001378472.1, NM_001378473.1); c.995C>G, p.Pro332Arg (NM_001378475.1); short protein forms P368R, P332R, P398R, P460R, P383R, P386R, P423R, P420R.
Identifiers: ClinVar variation 2752496 (VCV002752496.3), dbSNP rs2536185713, ClinGen allele CA369589402.

ClinVar aggregate classification (germline): Uncertain significance (1 of 4 stars; one submission).

Conditions:
RASopathy. Also called: rasopathies; Noonan spectrum disorder. Identifiers: Orphanet 536391, MedGen C5555857, MONDO:0021060.

Submission:

Labcorp Genetics (formerly Invitae), Labcorp
Classification: Uncertain significance for RASopathy. Last evaluated: 2023-08-14. Review status: criteria provided, single submitter. Criteria: Invitae Variant Classification Sherloc (09022015). Collection method: clinical testing. Allele origin: germline.
Comment: This sequence change replaces proline, which is neutral and non-polar, with arginine, which is basic and polar, at codon 420 of the BRAF protein (p.Pro420Arg). This variant is not present in population databases (gnomAD no frequency). This variant has not been reported in the literature in individuals affected with BRAF-related conditions. Advanced modeling of protein sequence and biophysical properties (such as structural, functional, and spatial information, amino acid conservation, physicochemical variation, residue mobility, and thermodynamic stability) performed at Invitae indicates that this missense variant is not expected to disrupt BRAF protein function. In summary, the available evidence is currently insufficient to determine the role of this variant in disease. Therefore, it has been classified as a Variant of Uncertain Significance.